The following is an entry in ClinVar:

NM_007254.4(PNKP):c.152T>G (p.Val51Gly)

Gene: PNKP (polynucleotide kinase 3'-phosphatase; minus strand). Cytogenetic location: 19q13.33.
Variant type: single nucleotide variant.
Coding change: c.152T>G on transcript NM_007254.4 (MANE Select); coding-DNA position 152, T replaced by G.
Protein change: p.Val51Gly; replaces valine 51 with glycine.
Molecular consequence: missense variant.
Genome position (GRCh38, 1-based): chr19:49,866,445, A>C on the plus strand (T>G on the coding strand, the complement: PNKP is on the minus strand). VCF-style: chr19-49866445-A-C. GRCh37 (hg19) VCF-style: chr19-50369702-A-C.
Other names: short protein forms V51G.
Identifiers: ClinVar variation 1441650 (VCV001441650.5), dbSNP rs758700077, ClinGen allele CA9587029.

ClinVar aggregate classification (germline): Uncertain significance (1 of 4 stars; one submission).

Conditions:
Developmental and epileptic encephalopathy, 12 (DEE12). Identifiers: MedGen C3150988, MONDO:0013389, OMIM 613722.

Allele frequency attached by ClinVar (database versions not stated): gnomAD exomes below 0.00001; ExAC 0.00001; gnomAD 0.00001; TOPMed 0.00001.
gnomAD v4.1: 1 of 1,614,094 alleles (0.000062%); highest among the groups gnomAD compares: African/African-American, 0.0013%; no homozygotes.

Submission:

Labcorp Genetics (formerly Invitae), Labcorp
Classification: Uncertain significance for Developmental and epileptic encephalopathy, 12. Last evaluated: 2021-08-14. Review status: criteria provided, single submitter. Criteria: Invitae Variant Classification Sherloc (09022015). Collection method: clinical testing. Allele origin: germline.
Comment: This sequence change replaces valine with glycine at codon 51 of the PNKP protein (p.Val51Gly). The valine residue is moderately conserved and there is a moderate physicochemical difference between valine and glycine. This variant is present in population databases (rs758700077, ExAC 0.01%). This variant has not been reported in the literature in individuals affected with PNKP-related conditions. Algorithms developed to predict the effect of missense changes on protein structure and function are either unavailable or do not agree on the potential impact of this missense change (SIFT: "Deleterious"; PolyPhen-2: "Probably Damaging"; Align-GVGD: "Class C0"). In summary, the available evidence is currently insufficient to determine the role of this variant in disease. Therefore, it has been classified as a Variant of Uncertain Significance.